The following is an entry in ClinVar:

ClinVar aggregate classification (germline): Uncertain significance (1 of 4 stars; one submission).

Submission:

Labcorp Genetics (formerly Invitae), Labcorp
Classification: Uncertain significance. Last evaluated: 2022-06-07. Review status: criteria provided, single submitter. Criteria: Invitae Variant Classification Sherloc (09022015). Collection method: clinical testing. Allele origin: germline.
Comment: Algorithms developed to predict the effect of missense changes on protein structure and function output the following: SIFT: "Not Available"; PolyPhen-2: "Benign"; Align-GVGD: "Not Available". The aspartic acid amino acid residue is found in multiple mammalian species, which suggests that this missense change does not adversely affect protein function. This sequence change replaces glutamic acid, which is acidic and polar, with aspartic acid, which is acidic and polar, at codon 6 of the NTHL1 protein (p.Glu6Asp). This variant is not present in population databases (gnomAD no frequency). This variant has not been reported in the literature in individuals affected with NTHL1-related conditions. ClinVar contains an entry for this variant (Variation ID: 1014127). In summary, the available evidence is currently insufficient to determine the role of this variant in disease. Therefore, it has been classified as a Variant of Uncertain Significance.

NM_002528.7(NTHL1):c.-7G>T

Gene: NTHL1 (nth like DNA glycosylase 1; minus strand). Cytogenetic location: 16p13.3.
Variant type: single nucleotide variant.
Coding change: c.-7G>T on transcript NM_002528.7 (MANE Select); 7 bases upstream of the start codon, G replaced by T.
Molecular consequence: 5 prime UTR variant.
Genome position (GRCh38, 1-based): chr16:2,047,830, C>A on the plus strand (G>T on the coding strand, the complement: NTHL1 is on the minus strand). VCF-style: chr16-2047830-C-A. GRCh37 (hg19) VCF-style: chr16-2097831-C-A.
Other names: c.-7G>T (NM_001318193.2); c.-185G>T (NM_001318194.2).
Identifiers: ClinVar variation 1014127 (VCV001014127.8), dbSNP rs2084532028, ClinGen allele CA394298806.